The following is an entry in ClinVar:

ClinVar aggregate classification (germline): Uncertain significance (1 of 4 stars; one submission).

Conditions:
Hereditary hyperferritinemia with congenital cataracts. Also called: Hereditary hyperferritinemia cataract syndrome; Bonneau-Beaumont syndrome; HYPERFERRITINEMIA WITH OR WITHOUT CATARACT. Identifiers: Orphanet 163, MedGen C1833213, MONDO:0010952, OMIM 600886.
Neuroferritinopathy (NBIA3). Also called: NEURODEGENERATION WITH BRAIN IRON ACCUMULATION 3; BASAL GANGLIA DISEASE, ADULT-ONSET. Identifiers: Orphanet 157846, MedGen C1853578, MONDO:0011638, OMIM 606159.

gnomAD v4.1: 1 of 1,552,328 alleles (0.000064%); no homozygotes.

Submission:

Labcorp Genetics (formerly Invitae), Labcorp
Classification: Uncertain significance for Neuroferritinopathy; Hereditary hyperferritinemia with congenital cataracts. Last evaluated: 2024-10-15. Review status: criteria provided, single submitter. Criteria: Invitae Variant Classification Sherloc (09022015). Collection method: clinical testing. Allele origin: germline.
Comment: This variant occurs in a non-coding region of the FTL gene. It does not change the encoded amino acid sequence of the FTL protein. This variant is not present in population databases (gnomAD no frequency). This variant has not been reported in the literature in individuals affected with FTL-related conditions. ClinVar contains an entry for this variant (Variation ID: 1881256). In summary, the available evidence is currently insufficient to determine the role of this variant in disease. Therefore, it has been classified as a Variant of Uncertain Significance.

NM_000146.4(FTL):c.-24T>C

Gene: FTL (ferritin light chain; plus strand). Cytogenetic location: 19q13.33.
Variant type: single nucleotide variant.
Coding change: c.-24T>C on transcript NM_000146.4 (MANE Select); 24 bases upstream of the start codon, T replaced by C.
Molecular consequence: 5 prime UTR variant.
Genome position (GRCh38, 1-based): chr19:48,965,484, T>C. VCF-style: chr19-48965484-T-C. GRCh37 (hg19) VCF-style: chr19-49468741-T-C.
Identifiers: ClinVar variation 1881256 (VCV001881256.5), dbSNP rs2513694345, ClinGen allele CA2576844614.